The following is an entry in ClinVar:

ClinVar aggregate classification (germline): Benign/Likely benign. Review status: criteria provided, multiple submitters, no conflicts (2 of 4 stars). 11 submissions from 11 submitters: Benign (3); Likely benign (5). 3 of the submissions do not count toward it. Last evaluated 2026-01-28.

Conditions:
SETBP1-related disorder. Also called: SETBP1-related condition; SETBP1-related disorders.
Schinzel-Giedion syndrome (SGS). Identifiers: Orphanet 798, MedGen C0265227, MONDO:0010010, OMIM 269150.
Intellectual developmental disorder, autosomal dominant 29. Also called: Intellectual disability, autosomal dominant 29; SETBP1 Haploinsufficiency Disorder. Identifiers: Orphanet 436151, MedGen C4015141, MONDO:0014482, OMIM 616078.

Allele frequency attached by ClinVar (database versions not stated): ExAC 0.00266; 1000 Genomes Project 30x 0.00422; TOPMed 0.00445; gnomAD exomes 0.00270; gnomAD 0.00634; 1000 Genomes Project 0.00479; ESP Exome Variant Server 0.00507.
gnomAD v4.1: 2,411 of 1,614,110 alleles (0.15%); highest among the groups gnomAD compares: African/African-American, 1.5%; 16 homozygotes.

Submissions (11):

Labcorp Genetics (formerly Invitae), Labcorp
Classification: Benign. Last evaluated: 2026-01-28. Review status: criteria provided, single submitter. Criteria: Invitae Variant Classification Sherloc (09022015). Collection method: clinical testing. Allele origin: germline.

CeGaT Center for Human Genetics Tuebingen
Classification: Likely benign. Last evaluated: 2024-12-01. Review status: criteria provided, single submitter. Criteria: CeGaT Center For Human Genetics Tuebingen Variant Classification Criteria Version 2. Collection method: clinical testing. Allele origin: germline. Affected: yes. Observed: 5 variant alleles.
Comment: SETBP1: BP4, BP7, BS1

KCCC/NGS Laboratory, Kuwait Cancer Control Center
Classification: Likely benign for Schinzel-Giedion syndrome. Last evaluated: 2023-07-07. Review status: criteria provided, single submitter. Criteria: ACMG Guidelines, 2015. Collection method: clinical testing. Allele origin: germline. Affected: yes.

Fulgent Genetics
Classification: Likely benign for Schinzel-Giedion syndrome; Intellectual developmental disorder, autosomal dominant 29. Last evaluated: 2022-05-11. Review status: criteria provided, single submitter. Criteria: ACMG Guidelines, 2015. Collection method: clinical testing. Allele origin: unknown.

GeneDx
Classification: Likely benign. Last evaluated: 2021-01-12. Review status: criteria provided, single submitter. Criteria: GeneDx Variant Classification Process June 2021. Collection method: clinical testing. Allele origin: germline. Affected: yes.

Mayo Clinic Laboratories, Mayo Clinic
Classification: Benign. Last evaluated: 2019-06-07. Review status: criteria provided, single submitter. Criteria: ACMG Guidelines, 2015. Collection method: clinical testing. Allele origin: germline. Observed: 4 variant alleles.

Genetic Services Laboratory, University of Chicago
Classification: Benign. Last evaluated: 2017-08-21. Review status: criteria provided, single submitter. Criteria: ACMG Guidelines, 2015. Collection method: clinical testing. Allele origin: germline. Affected: no.

Breakthrough Genomics
Classification: Likely benign. Review status: criteria provided, single submitter. Criteria: ACMG Guidelines, 2015. Collection method: not provided. Allele origin: germline. Inheritance: Autosomal dominant inheritance. Affected: yes.

PreventionGenetics, part of Exact Sciences
Classification: Benign for SETBP1-related condition. Last evaluated: 2019-05-15. Review status: no assertion criteria provided. Collection method: clinical testing. Allele origin: germline. Not counted in ClinVar's aggregate classification.
Comment: This variant is classified as benign based on ACMG/AMP sequence variant interpretation guidelines (Richards et al. 2015 PMID: 25741868, with internal and published modifications).

Clinical Genetics DNA and cytogenetics Diagnostics Lab, Erasmus MC, Erasmus Medical Center
Classification: Benign. Review status: no assertion criteria provided. Collection method: clinical testing. Allele origin: germline. Affected: yes. Study: VKGL Data-share Consensus. Not counted in ClinVar's aggregate classification.

Joint Genome Diagnostic Labs from Nijmegen and Maastricht, Radboudumc and MUMC+
Classification: Benign. Review status: no assertion criteria provided. Collection method: clinical testing. Allele origin: germline. Affected: yes. Study: VKGL Data-share Consensus. Not counted in ClinVar's aggregate classification.

NM_015559.3(SETBP1):c.1491G>A (p.Pro497=)

Gene: SETBP1 (SET binding protein 1; plus strand). Cytogenetic location: 18q12.3.
Variant type: single nucleotide variant.
Coding change: c.1491G>A on transcript NM_015559.3 (MANE Select); coding-DNA position 1491, G replaced by A.
Protein change: p.Pro497=; no amino-acid change (proline 497 retained).
Molecular consequence: synonymous variant.
Genome position (GRCh38, 1-based): chr18:44,950,831, G>A. VCF-style: chr18-44950831-G-A. GRCh37 (hg19) VCF-style: chr18-42530796-G-A.
Other names: p.Pro497=; c.1491G>A, p.Pro497= (LRG_1150t1).
Identifiers: ClinVar variation 326740 (VCV000326740.51), dbSNP rs113053616, ClinGen allele CA8945626.
Genomic context (GRCh38, chr18:44,950,831, plus strand): 5'-AGTTGGCCTTGAAACTGGTGGAAATGCTGAGAAAGTTATCCCAGGAGGTGTGTCTAAGCC[G>A]CGGAAGCCACCCATGGTCATGACACCTCCAACGTGCACAGATCACTCTCCATCCAGAAAG-3'
Protein context (NP_056374.2, residues 487-507): EKVIPGGVSK[Pro497=]RKPPMVMTPP